The following is an entry in ClinVar:

NM_012188.5(FOXI1):c.1072C>T (p.Pro358Ser)

Gene: FOXI1 (forkhead box I1; plus strand). Cytogenetic location: 5q35.1.
Variant type: single nucleotide variant.
Coding change: c.1072C>T on transcript NM_012188.5 (MANE Select); coding-DNA position 1072, C replaced by T.
Protein change: p.Pro358Ser; replaces proline 358 with serine.
Molecular consequence: missense variant.
Genome position (GRCh38, 1-based): chr5:170,108,546, C>T. VCF-style: chr5-170108546-C-T. GRCh37 (hg19) VCF-style: chr5-169535550-C-T.
Other names: c.787C>T, p.Pro263Ser (NM_144769.4); c.1072C>T (NM_012188.4); short protein forms P263S, P358S.
Identifiers: ClinVar variation 1931847 (VCV001931847.7), dbSNP rs1340942654, ClinGen allele CA362128793.

ClinVar aggregate classification (germline): Uncertain significance. Review status: criteria provided, multiple submitters, no conflicts (2 of 4 stars). 4 submissions from 4 submitters: Uncertain significance (4). Last evaluated 2026-06-08.

Conditions:
FOXI1-related disorder. Also called: FOXI1-related condition.
Autosomal recessive nonsyndromic hearing loss 4 (DFNB4). Also called: FOXI1-Related Pendred Syndrome; KCNJ10-Related Pendred Syndrome; Nonsyndromic enlarged vestibular aqueduct (NSEVA); NEUROSENSORY NONSYNDROMIC RECESSIVE DEAFNESS 4; Deafness, autosomal recessive 4; Enlarged vestibular aqueduct, digenic. Identifiers: Orphanet 90636, MedGen C3538946, MONDO:0010933, OMIM 600791.

Allele frequency attached by ClinVar (database versions not stated): gnomAD 0.00001; TOPMed 0.00001; gnomAD exomes 0.00003.
gnomAD v4.1: 43 of 1,613,090 alleles (0.0027%); highest among the groups gnomAD compares: Non-Finnish European, 0.0034%; no homozygotes.

Submissions (4):

PreventionGenetics, part of Exact Sciences
Classification: Uncertain significance for FOXI1-related condition. Last evaluated: 2026-06-08. Review status: criteria provided, single submitter. Criteria: ACMG Guidelines, 2015. Collection method: clinical testing. Allele origin: germline.
Comment: The FOXI1 c.1072C>T variant is predicted to result in the amino acid substitution p.Pro358Ser. To our knowledge, this variant has not been reported in the literature. This variant is reported in 0.064% of alleles in individuals of East Asian descent in gnomAD. Although we suspect that this variant may be benign, at this time, the clinical significance of this variant is uncertain due to the absence of conclusive functional and genetic evidence.

Ambry Genetics
Classification: Uncertain significance. Last evaluated: 2025-08-07. Review status: criteria provided, single submitter. Criteria: Ambry Variant Classification Scheme 2023. Collection method: clinical testing. Allele origin: germline.

Fulgent Genetics
Classification: Uncertain significance for Autosomal recessive nonsyndromic hearing loss 4. Last evaluated: 2024-05-28. Review status: criteria provided, single submitter. Criteria: ACMG Guidelines, 2015. Collection method: clinical testing. Allele origin: germline.

Labcorp Genetics (formerly Invitae), Labcorp
Classification: Uncertain significance. Last evaluated: 2024-02-17. Review status: criteria provided, single submitter. Criteria: Invitae Variant Classification Sherloc (09022015). Collection method: clinical testing. Allele origin: germline.
Comment: This sequence change replaces proline, which is neutral and non-polar, with serine, which is neutral and polar, at codon 358 of the FOXI1 protein (p.Pro358Ser). This variant is present in population databases (no rsID available, gnomAD 0.06%). This variant has not been reported in the literature in individuals affected with FOXI1-related conditions. ClinVar contains an entry for this variant (Variation ID: 1931847). Algorithms developed to predict the effect of missense changes on protein structure and function output the following: SIFT: "Not Available"; PolyPhen-2: "Benign"; Align-GVGD: "Not Available". The serine amino acid residue is found in multiple mammalian species, which suggests that this missense change does not adversely affect protein function. In summary, the available evidence is currently insufficient to determine the role of this variant in disease. Therefore, it has been classified as a Variant of Uncertain Significance.